The following is an entry in ClinVar:

NM_023110.3(FGFR1):c.92-19G>A

Gene: FGFR1 (fibroblast growth factor receptor 1; minus strand). Cytogenetic location: 8p11.23.
Variant type: single nucleotide variant.
Coding change: c.92-19G>A on transcript NM_023110.3 (MANE Select); 19 bases into the intron before coding-DNA position 92, G replaced by A.
Molecular consequence: intron variant.
Genome position (GRCh38, 1-based): chr8:38,429,967, C>T on the plus strand (G>A on the coding strand, the complement: FGFR1 is on the minus strand). VCF-style: chr8-38429967-C-T. GRCh37 (hg19) VCF-style: chr8-38287485-C-T.
Other names: c.92-1532G>A (NM_001354368.2, NM_001354370.2, NM_023106.3 and 2 more transcripts); c.92-19G>A (NM_001354367.2, NM_015850.4, NM_001174063.2 and 2 more transcripts); c.68-19G>A (NM_001174064.2); c.191-19G>A (NM_001174067.2).
Identifiers: ClinVar variation 430230 (VCV000430230.7), dbSNP rs753723806, ClinGen allele CA581431094.
Genomic context (GRCh38, chr8:38,429,967, plus strand): 5'-CCAGGAAGGACTCCACTTCCACAGGGGCTCCCCAGGGCTGGGCTGCAGCCACCACGGGGC[C>T]GGGAAGGGAAGCCAAGGGGCGAGAGAGGAAGACAGGGAGAGGGGAGGAGGGGAGAGACAA-3'

ClinVar aggregate classification (germline): Conflicting classifications of pathogenicity. Review status: criteria provided, conflicting classifications (1 of 4 stars). 3 submissions from 3 submitters: Likely pathogenic (1); Uncertain significance (2). Last evaluated 2026-06-01.

Conditions:
Hypogonadotropic hypogonadism 2 with or without anosmia (HH2). Also called: HYPOGONADOTROPIC HYPOGONADISM 2 WITHOUT ANOSMIA; FGFR1-Related GnRH Deficiency (Kallmann Syndrome 2); HYPOGONADOTROPIC HYPOGONADISM 2 WITH OR WITHOUT ANOSMIA, SUSCEPTIBILITY TO; HYPOGONADOTROPIC HYPOGONADISM 2 WITHOUT ANOSMIA, SUSCEPTIBILITY TO. Identifiers: Orphanet 478, MedGen C1563720, MONDO:0007844, OMIM 147950. Disease mechanism: loss of function.
Pfeiffer syndrome (ACS5). Also called: ACS V. Identifiers: Orphanet 710, MedGen C0220658, MONDO:0007043, OMIM 101600.

Submissions (3):

Genetics Institute, Tel Aviv Sourasky Medical Center
Classification: Likely pathogenic for Hypogonadotropic hypogonadism 2 with or without anosmia. Last evaluated: 2026-06-01. Review status: criteria provided, single submitter. Criteria: ACMG Guidelines, 2015. Collection method: research. Allele origin: germline. Affected: yes.
Comment: The variant was observed in individuals from three unrelated families, all crarriers had a phenotype consistent with hypogonadotrophic hypogonadism. RNA studies revealed that this variant creates an alternative acceptor site in the intron, leading to inclusion of additional 17 nucleotides to the exon 3 sequence. This insertion causes a frameshift and a premature stop codon. The variant is not present in gnomAD. According to ACMG/AMP criteria, this variant is classified as likely pathogenic (PP1, PS3_Splice, PM2, PP3).

Labcorp Genetics (formerly Invitae), Labcorp
Classification: Uncertain significance for Pfeiffer syndrome; Hypogonadotropic hypogonadism 2 with or without anosmia. Last evaluated: 2023-12-13. Review status: criteria provided, single submitter. Criteria: Invitae Variant Classification Sherloc (09022015). Collection method: clinical testing. Allele origin: germline.
Comment: This sequence change falls in intron 2 of the FGFR1 gene. It does not directly change the encoded amino acid sequence of the FGFR1 protein. This variant is not present in population databases (gnomAD no frequency). This variant has not been reported in the literature in individuals affected with FGFR1-related conditions. ClinVar contains an entry for this variant (Variation ID: 430230). Algorithms developed to predict the effect of sequence changes on RNA splicing suggest that this variant may disrupt the consensus splice site. In summary, the available evidence is currently insufficient to determine the role of this variant in disease. Therefore, it has been classified as a Variant of Uncertain Significance.

GeneDx
Classification: Uncertain significance. Last evaluated: 2017-05-23. Review status: criteria provided, single submitter. Criteria: GeneDx Variant Classification (06012015). Collection method: clinical testing. Allele origin: germline. Affected: yes.
Comment: The c.92-19 G>A variant has not been published as a pathogenic variant, nor has it been reported as a benign variant to our knowledge. The variant is not observed in large population cohorts (Lek et al., 2016; 1000 Genomes Consortium et al., 2015; Exome Variant Server). Several in-silico splice prediction models predict that c.92-19 G>A creates a cryptic acceptor site which may supplant the natural acceptor site and lead to abnormal gene splicing. However, in the absence of RNA/functional studies, the actual effect of this sequence change is unknown. In summary, based on the currently available information, it is unclear whether this variant is a pathogenic variant or a rare benign variant.